The following is an entry in ClinVar:

ClinVar aggregate classification (germline): Uncertain significance. Review status: criteria provided, multiple submitters, no conflicts (2 of 4 stars). 2 submissions from 2 submitters: Uncertain significance (2). Last evaluated 2026-02-01.

Submissions (2):

CeGaT Center for Human Genetics Tuebingen
Classification: Uncertain significance. Last evaluated: 2026-02-01. Review status: criteria provided, single submitter. Criteria: CeGaT Center For Human Genetics Tuebingen Variant Classification Criteria Version 2. Collection method: clinical testing. Allele origin: germline. Affected: yes. Observed: 1 variant allele.
Comment: GBA1: PM2, PS4:Supporting, BP2

GeneDx
Classification: Uncertain significance. Last evaluated: 2023-11-15. Review status: criteria provided, single submitter. Criteria: GeneDx Variant Classification Process June 2021. Collection method: clinical testing. Allele origin: germline. Affected: yes.
Comment: Reported in a patient with Parkinson disease in published literature (PMID: 32618053); In silico analysis supports that this variant does not alter protein structure/function; This variant is associated with the following publications: (PMID: 32618053)

NM_000157.4(GBA1):c.44_46delinsCGG (p.Leu15_Ser16delinsSerGly)

Gene: GBA1 (glucosylceramidase beta 1; minus strand). Cytogenetic location: 1q22.
Variant type: Indel.
Coding change: c.44_46delinsCGG on transcript NM_000157.4 (MANE Select); coding-DNA positions 44 to 46, TGA replaced by CGG.
Protein change: p.Leu15_Ser16delinsSerGly.
Molecular consequence: missense variant. On other transcripts: intron variant (1).
Genome position (GRCh38, 1-based): chr1:155,240,699-155,240,701, TCA replaced by CCG on the plus strand (TGA replaced by CGG on the coding strand, the reverse complement: GBA1 is on the minus strand). VCF-style: chr1-155240699-TCA-CCG. GRCh37 (hg19) VCF-style: chr1-155210490-TCA-CCG.
Other names: c.44_46delinsCGG, p.Leu15_Ser16delinsSerGly (NM_001005741.3, NM_001005742.3, NM_001171812.2); c.-146-624_-146-622delinsCGG (NM_001171811.2).
Identifiers: ClinVar variation 3343887 (VCV003343887.5).